The following is an entry in ClinVar:

ClinVar aggregate classification (germline): Uncertain significance (1 of 4 stars; one submission).

Conditions:
Autosomal dominant nocturnal frontal lobe epilepsy 5. Also called: KCNT1-Related Epilepsy; CILIARY DYSKINESIA, PRIMARY, 28, WITHOUT SITUS INVERSUS; CILIARY DYSKINESIA, PRIMARY, 28, WITH SITUS INVERSUS; Epilepsy, nocturnal frontal lobe, 5. Identifiers: Orphanet 98784, MedGen C3554306, MONDO:0014002, OMIM 615005.
Developmental and epileptic encephalopathy, 14 (DEE14). Also called: Early infantile epileptic encephalopathy 14. Identifiers: Orphanet 293181, MedGen C3554195, MONDO:0013989, OMIM 614959.

Submission:

Labcorp Genetics (formerly Invitae), Labcorp
Classification: Uncertain significance for Autosomal dominant nocturnal frontal lobe epilepsy 5; Developmental and epileptic encephalopathy, 14. Last evaluated: 2024-12-17. Review status: criteria provided, single submitter. Criteria: Invitae Variant Classification Sherloc (09022015). Collection method: clinical testing. Allele origin: germline.
Comment: This sequence change replaces glycine, which is neutral and non-polar, with arginine, which is basic and polar, at codon 42 of the KCNT1 protein (p.Gly42Arg). This variant is not present in population databases (gnomAD no frequency). This variant has not been reported in the literature in individuals affected with KCNT1-related conditions. Invitae Evidence Modeling of protein sequence and biophysical properties (such as structural, functional, and spatial information, amino acid conservation, physicochemical variation, residue mobility, and thermodynamic stability) indicates that this missense variant is not expected to disrupt KCNT1 protein function with a negative predictive value of 95%. In summary, the available evidence is currently insufficient to determine the role of this variant in disease. Therefore, it has been classified as a Variant of Uncertain Significance.

NM_020822.3(KCNT1):c.124G>A (p.Gly42Arg)

Gene: KCNT1 (potassium sodium-activated channel subfamily T member 1; plus strand). Cytogenetic location: 9q34.3.
Variant type: single nucleotide variant.
Coding change: c.124G>A on transcript NM_020822.3 (MANE Select); coding-DNA position 124, G replaced by A.
Protein change: p.Gly42Arg; replaces glycine 42 with arginine.
Molecular consequence: missense variant. On other transcripts: intron variant (1).
Genome position (GRCh38, 1-based): chr9:135,714,590, G>A. VCF-style: chr9-135714590-G-A. GRCh37 (hg19) VCF-style: chr9-138606436-G-A.
Other names: c.110+12222G>A (NM_001272003.2); short protein forms G42R.
Identifiers: ClinVar variation 3752239 (VCV003752239.2).